The following is an entry in ClinVar:

ClinVar aggregate classification (germline): Uncertain significance. Review status: criteria provided, multiple submitters, no conflicts (2 of 4 stars). 2 submissions from 2 submitters: Uncertain significance (2). Last evaluated 2026-03-03.

Conditions:
Familial cancer of breast. Also called: BREAST CANCER, FAMILIAL; Hereditary breast cancer; hereditary breast carcinoma. Identifiers: Orphanet 227535, MedGen C0346153, MONDO:0016419, OMIM 114480. Disease mechanism: loss of function.
Hereditary cancer-predisposing syndrome. Also called: Neoplastic Syndromes, Hereditary; Tumor predisposition; Hereditary Cancer Syndrome; Hereditary neoplastic syndrome. Identifiers: Orphanet 140162, MedGen C0027672, MeSH D009386, MONDO:0015356.

Submissions (2):

Ambry Genetics
Classification: Uncertain significance for Hereditary cancer-predisposing syndrome. Last evaluated: 2026-03-03. Review status: criteria provided, single submitter. Criteria: Ambry Variant Classification Scheme 2023. Collection method: clinical testing. Allele origin: germline.
Comment: The p.R38H variant (also known as c.113G>A), located in coding exon 1 of the BARD1 gene, results from a G to A substitution at nucleotide position 113. The arginine at codon 38 is replaced by histidine, an amino acid with highly similar properties. This amino acid position is highly conserved in available vertebrate species. In addition, this alteration is predicted to be deleterious by in silico analysis. Based on the available evidence, the clinical significance of this variant remains unclear.

Labcorp Genetics (formerly Invitae), Labcorp
Classification: Uncertain significance for Familial cancer of breast. Last evaluated: 2023-04-06. Review status: criteria provided, single submitter. Criteria: Invitae Variant Classification Sherloc (09022015). Collection method: clinical testing. Allele origin: germline.
Comment: In summary, the available evidence is currently insufficient to determine the role of this variant in disease. Therefore, it has been classified as a Variant of Uncertain Significance. An algorithm developed to predict the effect of missense changes on protein structure and function (PolyPhen-2) suggests that this variant is likely to be disruptive. ClinVar contains an entry for this variant (Variation ID: 1484811). This variant has not been reported in the literature in individuals affected with BARD1-related conditions. This variant is not present in population databases (gnomAD no frequency). This sequence change replaces arginine, which is basic and polar, with histidine, which is basic and polar, at codon 38 of the BARD1 protein (p.Arg38His).

NM_000465.4(BARD1):c.113G>A (p.Arg38His)

Gene: BARD1 (BRCA1 associated RING domain 1; minus strand). Cytogenetic location: 2q35.
Variant type: single nucleotide variant.
Coding change: c.113G>A on transcript NM_000465.4 (MANE Select); coding-DNA position 113, G replaced by A.
Protein change: p.Arg38His; replaces arginine 38 with histidine.
Molecular consequence: missense variant. On other transcripts: non-coding transcript variant (3).
Genome position (GRCh38, 1-based): chr2:214,809,457, C>T on the plus strand (G>A on the coding strand, the complement: BARD1 is on the minus strand). VCF-style: chr2-214809457-C-T. GRCh37 (hg19) VCF-style: chr2-215674181-C-T.
Other names: c.113G>A, p.Arg38His (NM_001282543.2, NM_001282545.2, NM_001282548.2 and 1 more transcripts); c.113G>A (NM_000465.2); short protein forms R38H.
Identifiers: ClinVar variation 1484811 (VCV001484811.8), dbSNP rs2106171086, ClinGen allele CA350464972.
Genomic context (GRCh38, chr2:214,809,457, plus strand): 5'-AAGCTCCGTCTTTACCAACGCGAGCAGCGCAGCAGCTTCTCCAGGCGGTCGAGCGCGGCG[C>T]GACTGTGGGCCCAGGCACCGCGACCATCCGGTTCCATGGCGGGCGCGGAACGAGGCTCGT-3'
Protein context (NP_000456.2, residues 28-48): PDGRGAWAHS[Arg38His]AALDRLEKLL